The following is an entry in ClinVar:

NM_005465.7(AKT3):c.410C>T (p.Thr137Ile)

Gene: AKT3 (AKT serine/threonine kinase 3; minus strand). Cytogenetic location: 1q44.
Variant type: single nucleotide variant.
Coding change: c.410C>T on transcript NM_005465.7 (MANE Select); coding-DNA position 410, C replaced by T.
Protein change: p.Thr137Ile; replaces threonine 137 with isoleucine.
Molecular consequence: missense variant.
Genome position (GRCh38, 1-based): chr1:243,645,912, G>A on the plus strand (C>T on the coding strand, the complement: AKT3 is on the minus strand). VCF-style: chr1-243645912-G-A. GRCh37 (hg19) VCF-style: chr1-243809214-G-A.
Other names: c.410C>T, p.Thr137Ile (NM_001206729.2, NM_001370074.1, NM_181690.2); short protein forms T137I.
Identifiers: ClinVar variation 1498287 (VCV001498287.3), dbSNP rs202064755, ClinGen allele CA1484128.

ClinVar aggregate classification (germline): Uncertain significance (1 of 4 stars; one submission).

Conditions:
Megalencephaly-polymicrogyria-polydactyly-hydrocephalus syndrome 2 (MPPH2). Also called: MEGALENCEPHALY-POLYMICROGYRIA-POLYDACTYLY-HYDROCEPHALUS SYNDROME 2, SOMATIC. Identifiers: Orphanet 83473, MedGen C4014738, MONDO:0014407, OMIM 615937.

Allele frequency attached by ClinVar (database versions not stated): gnomAD 0.00001 and 0.00003; TOPMed 0.00001; ExAC 0.00002; gnomAD exomes 0.00002 and 0.00003; 1000 Genomes Project 0.00020; 1000 Genomes Project 30x 0.00047.
gnomAD v4.1: 41 of 1,611,636 alleles (0.0025%); highest among the groups gnomAD compares: Non-Finnish European, 0.0035%; no homozygotes.

Submission:

Labcorp Genetics (formerly Invitae), Labcorp
Classification: Uncertain significance for Megalencephaly-polymicrogyria-polydactyly-hydrocephalus syndrome 2. Last evaluated: 2022-02-23. Review status: criteria provided, single submitter. Criteria: Invitae Variant Classification Sherloc (09022015). Collection method: clinical testing. Allele origin: germline.
Comment: This sequence change replaces threonine, which is neutral and polar, with isoleucine, which is neutral and non-polar, at codon 137 of the AKT3 protein (p.Thr137Ile). This variant is present in population databases (rs202064755, gnomAD 0.003%). This variant has not been reported in the literature in individuals affected with AKT3-related conditions. Algorithms developed to predict the effect of missense changes on protein structure and function (SIFT, PolyPhen-2, Align-GVGD) all suggest that this variant is likely to be tolerated. In summary, the available evidence is currently insufficient to determine the role of this variant in disease. Therefore, it has been classified as a Variant of Uncertain Significance.